The following is an entry in ClinVar:

ClinVar aggregate classification (germline): Uncertain significance (1 of 4 stars; one submission).

Submission:

Labcorp Genetics (formerly Invitae), Labcorp
Classification: Uncertain significance. Last evaluated: 2022-06-22. Review status: criteria provided, single submitter. Criteria: Invitae Variant Classification Sherloc (09022015). Collection method: clinical testing. Allele origin: germline.
Comment: This sequence change replaces proline, which is neutral and non-polar, with arginine, which is basic and polar, at codon 135 of the NKX6-2 protein (p.Pro135Arg). Algorithms developed to predict the effect of missense changes on protein structure and function are either unavailable or do not agree on the potential impact of this missense change (SIFT: "Deleterious"; PolyPhen-2: "Benign"; Align-GVGD: "Class C0"). In summary, the available evidence is currently insufficient to determine the role of this variant in disease. Therefore, it has been classified as a Variant of Uncertain Significance. This variant has not been reported in the literature in individuals affected with NKX6-2-related conditions. This variant is not present in population databases (gnomAD no frequency).

NM_177400.3(NKX6-2):c.404C>G (p.Pro135Arg)

Gene: NKX6-2 (NK6 homeobox 2; minus strand). Cytogenetic location: 10q26.3.
Variant type: single nucleotide variant.
Coding change: c.404C>G on transcript NM_177400.3 (MANE Select); coding-DNA position 404, C replaced by G.
Protein change: p.Pro135Arg; replaces proline 135 with arginine.
Molecular consequence: missense variant.
Genome position (GRCh38, 1-based): chr10:132,785,545, G>C on the plus strand (C>G on the coding strand, the complement: NKX6-2 is on the minus strand). VCF-style: chr10-132785545-G-C. GRCh37 (hg19) VCF-style: chr10-134599049-G-C.
Other names: short protein forms P135R.
Identifiers: ClinVar variation 1917188 (VCV001917188.5), dbSNP rs1293090332, ClinGen allele CA378770567.